The following is an entry in ClinVar:

ClinVar aggregate classification (germline): Conflicting classifications of pathogenicity. Review status: criteria provided, conflicting classifications (1 of 4 stars). 4 submissions from 4 submitters: Uncertain significance (3); Benign (1). Last evaluated 2025-10-17.

Conditions:
Familial temporal lobe epilepsy 7. Identifiers: Orphanet 101046, MedGen C4225327, MONDO:0014639, OMIM 616436.
Norman-Roberts syndrome (LIS2). Also called: Lissencephaly 2 (Norman-Roberts type). Identifiers: Orphanet 89844, MedGen C0796089, MONDO:0009760, OMIM 257320.
Inborn genetic diseases. Identifiers: MedGen C0950123, MeSH D030342.

Allele frequency attached by ClinVar (database versions not stated): gnomAD exomes 0.00002 and 0.00005; ExAC 0.00007; ESP Exome Variant Server 0.00015; TOPMed 0.00028; gnomAD 0.00031.
gnomAD v4.1: 77 of 1,612,514 alleles (0.0048%); highest among the groups gnomAD compares: African/African-American, 0.088%; 2 homozygotes.

Submissions (4):

Labcorp Genetics (formerly Invitae), Labcorp
Classification: Benign for Familial temporal lobe epilepsy 7; Norman-Roberts syndrome. Last evaluated: 2025-10-17. Review status: criteria provided, single submitter. Criteria: Invitae Variant Classification Sherloc (09022015). Collection method: clinical testing. Allele origin: germline.

GeneDx
Classification: Uncertain significance. Last evaluated: 2025-02-05. Review status: criteria provided, single submitter. Criteria: GeneDx Variant Classification Process June 2021. Collection method: clinical testing. Allele origin: germline. Affected: yes.
Comment: In silico analysis supports that this missense variant does not alter protein structure/function; Has not been previously published as pathogenic or benign to our knowledge

Ambry Genetics
Classification: Uncertain significance for Inborn genetic diseases. Last evaluated: 2024-08-26. Review status: criteria provided, single submitter. Criteria: Ambry Variant Classification Scheme 2023. Collection method: clinical testing. Allele origin: germline.

Women's Health and Genetics/Laboratory Corporation of America, LabCorp
Classification: Uncertain significance. Last evaluated: 2023-02-27. Review status: criteria provided, single submitter. Criteria: LabCorp Variant Classification Summary - May 2015. Collection method: clinical testing. Allele origin: germline.
Comment: Variant summary: RELN c.2944A>C (p.Ile982Leu) results in a conservative amino acid change in the encoded protein sequence. Four of five in-silico tools predict a benign effect of the variant on protein function. The variant allele was found at a frequency of 4.8e-05 in 251178 control chromosomes. To our knowledge, no occurrence of c.2944A>C in individuals affected with Epilepsy Familial Temporal Lobe 7 and no experimental evidence demonstrating its impact on protein function have been reported. One clinical diagnostic laboratory has submitted clinical-significance assessments for this variant to ClinVar after 2014 without evidence for independent evaluation. One laboratory classified the variant as benign. Based on the evidence outlined above, the variant was classified as uncertain significance.

NM_005045.4(RELN):c.2944A>C (p.Ile982Leu)

Gene: RELN (reelin; minus strand). Cytogenetic location: 7q22.1.
Variant type: single nucleotide variant.
Coding change: c.2944A>C on transcript NM_005045.4 (MANE Select); coding-DNA position 2944, A replaced by C.
Protein change: p.Ile982Leu; replaces isoleucine 982 with leucine.
Molecular consequence: missense variant.
Genome position (GRCh38, 1-based): chr7:103,610,759, T>G on the plus strand (A>C on the coding strand, the complement: RELN is on the minus strand). VCF-style: chr7-103610759-T-G. GRCh37 (hg19) VCF-style: chr7-103251206-T-G.
Other names: c.2944A>C, p.Ile982Leu (NM_173054.3); short protein forms I982L.
Identifiers: ClinVar variation 542587 (VCV000542587.14), dbSNP rs143972828, ClinGen allele CA4421892.